The following is an entry in ClinVar:

NM_152564.5(VPS13B):c.6457A>G (p.Ile2153Val)

Gene: VPS13B (vacuolar protein sorting 13 homolog B; plus strand). Cytogenetic location: 8q22.2.
Variant type: single nucleotide variant.
Coding change: c.6457A>G on transcript NM_152564.5 (MANE Select); coding-DNA position 6457, A replaced by G.
Protein change: p.Ile2153Val; replaces isoleucine 2153 with valine.
Molecular consequence: missense variant.
Genome position (GRCh38, 1-based): chr8:99,717,173, A>G. VCF-style: chr8-99717173-A-G. GRCh37 (hg19) VCF-style: chr8-100729401-A-G.
Other names: c.6532A>G, p.Ile2178Val (NM_017890.5); short protein forms I2153V, I2178V.
Identifiers: ClinVar variation 2037018 (VCV002037018.1), dbSNP rs771918634, ClinGen allele CA4824009.

ClinVar aggregate classification (germline): Uncertain significance (1 of 4 stars; one submission).

Conditions:
Cohen syndrome (COH1). Also called: PEPPER SYNDROME; Cutis verticis gyrata, retinitis pigmentosa, and sensorineural deafness. Identifiers: Orphanet 193, MedGen C0265223, MONDO:0008999, OMIM 216550.

Allele frequency attached by ClinVar (database versions not stated): ExAC 0.00001.
gnomAD v4.1: 2 of 1,612,522 alleles (0.00012%); highest among the groups gnomAD compares: Non-Finnish European, 0.000085%; no homozygotes.

Submission:

Labcorp Genetics (formerly Invitae), Labcorp
Classification: Uncertain significance for Cohen syndrome. Last evaluated: 2022-09-07. Review status: criteria provided, single submitter. Criteria: Invitae Variant Classification Sherloc (09022015). Collection method: clinical testing. Allele origin: germline.
Comment: This sequence change replaces isoleucine, which is neutral and non-polar, with valine, which is neutral and non-polar, at codon 2178 of the VPS13B protein (p.Ile2178Val). This variant is present in population databases (rs771918634, gnomAD 0.004%). This variant has not been reported in the literature in individuals affected with VPS13B-related conditions. Algorithms developed to predict the effect of missense changes on protein structure and function output the following: SIFT: "Not Available"; PolyPhen-2: "Benign"; Align-GVGD: "Not Available". The valine amino acid residue is found in multiple mammalian species, which suggests that this missense change does not adversely affect protein function. Algorithms developed to predict the effect of sequence changes on RNA splicing suggest that this variant may create or strengthen a splice site. In summary, the available evidence is currently insufficient to determine the role of this variant in disease. Therefore, it has been classified as a Variant of Uncertain Significance.